The following is an entry in ClinVar:

NM_182746.3(MCM4):c.1535del (p.Pro512fs)

Gene: MCM4 (minichromosome maintenance complex component 4; plus strand). Cytogenetic location: 8q11.21.
Variant type: Deletion.
Coding change: c.1535del on transcript NM_182746.3 (MANE Select); coding-DNA position 1535, one base deleted (C; older notation c.1535delC).
Protein change: p.Pro512fs; shifts the reading frame from proline 512.
Molecular consequence: frameshift variant.
Genome position (GRCh38, 1-based): chr8:47,970,611, C deleted; the last of 3 consecutive C bases (chr8:47,970,609-47,970,611); deleting any one gives the same sequence. VCF-style (leftmost placement, unchanged base first): chr8-47970608-AC-A. GRCh37 (hg19) VCF-style: chr8-48883168-AC-A.
Other names: c.1535del, p.Pro512fs (NM_005914.4); short protein forms P512fs.
Identifiers: ClinVar variation 2004330 (VCV002004330.4), dbSNP rs2551884612, ClinGen allele CA2580078362.

ClinVar aggregate classification (germline): Uncertain significance (1 of 4 stars; one submission).

Submission:

Labcorp Genetics (formerly Invitae), Labcorp
Classification: Uncertain significance. Last evaluated: 2025-01-13. Review status: criteria provided, single submitter. Criteria: Invitae Variant Classification Sherloc (09022015). Collection method: clinical testing. Allele origin: germline.
Comment: This sequence change creates a premature translational stop signal (p.Pro512Leufs*36) in the MCM4 gene. It is expected to result in an absent or disrupted protein product. However, the current clinical and genetic evidence is not sufficient to establish whether loss-of-function variants in MCM4 cause disease. This variant is not present in population databases (gnomAD no frequency). This variant has not been reported in the literature in individuals affected with MCM4-related conditions. ClinVar contains an entry for this variant (Variation ID: 2004330). In summary, the available evidence is currently insufficient to determine the role of this variant in disease. Therefore, it has been classified as a Variant of Uncertain Significance.